The following is an entry in ClinVar:

NM_000245.4(MET):c.124C>A (p.Gln42Lys)

Gene: MET (MET proto-oncogene, receptor tyrosine kinase; plus strand). Cytogenetic location: 7q31.2.
Variant type: single nucleotide variant.
Coding change: c.124C>A on transcript NM_000245.4 (MANE Select); coding-DNA position 124, C replaced by A.
Protein change: p.Gln42Lys; replaces glutamine 42 with lysine.
Molecular consequence: missense variant. On other transcripts: intron variant (1).
Genome position (GRCh38, 1-based): chr7:116,699,208, C>A. VCF-style: chr7-116699208-C-A. GRCh37 (hg19) VCF-style: chr7-116339262-C-A.
Other names: c.124C>A, p.Gln42Lys (NM_001127500.3, NM_001324401.3); c.-91+26631C>A (NM_001324402.2); short protein forms Q42K.
Identifiers: ClinVar variation 3232905 (VCV003232905.1), dbSNP rs2116580859, ClinGen allele CA368968394.

ClinVar aggregate classification (germline): Uncertain significance (1 of 4 stars; one submission).

Conditions:
Hereditary cancer-predisposing syndrome. Also called: Neoplastic Syndromes, Hereditary; Tumor predisposition; Hereditary neoplastic syndrome; Hereditary Cancer Syndrome. Identifiers: Orphanet 140162, MedGen C0027672, MeSH D009386, MONDO:0015356.

Submission:

Ambry Genetics
Classification: Uncertain significance for Hereditary cancer-predisposing syndrome. Last evaluated: 2023-11-06. Review status: criteria provided, single submitter. Criteria: Ambry Variant Classification Scheme 2023. Collection method: clinical testing. Allele origin: germline.
Comment: The p.Q42K variant (also known as c.124C>A), located in coding exon 1 of the MET gene, results from a C to A substitution at nucleotide position 124. The glutamine at codon 42 is replaced by lysine, an amino acid with similar properties. This amino acid position is conserved. In addition, this alteration is predicted to be tolerated by in silico analysis. Since supporting evidence is limited at this time, the clinical significance of this alteration remains unclear.